The following is an entry in ClinVar:

NM_015443.4(KANSL1):c.610G>A (p.Gly204Ser)

Gene: KANSL1 (KAT8 regulatory NSL complex subunit 1). Cytogenetic location: 17q21.31.
Variant type: single nucleotide variant.
Coding change: c.610G>A on transcript NM_015443.4 (MANE Select); coding-DNA position 610, G replaced by A.
Protein change: p.Gly204Ser; replaces glycine 204 with serine.
Molecular consequence: missense variant.
Genome position (GRCh38, 1-based): chr17:46,171,534, C>T on the plus strand (G>A on the coding strand, the complement: KANSL1 is on the minus strand). VCF-style: chr17-46171534-C-T. GRCh37 (hg19) VCF-style: chr17-44248900-C-T.
Other names: c.610G>A, p.Gly204Ser (NM_001193465.2, NM_001193466.2, NM_001379198.1); short protein forms G204S.
Identifiers: ClinVar variation 380260 (VCV000380260.3), dbSNP rs1057520810, ClinGen allele CA16607683.

ClinVar aggregate classification (germline): Likely benign (1 of 4 stars; one submission).

Allele frequency attached by ClinVar (database versions not stated): gnomAD exomes below 0.00001; gnomAD 0.00001; TOPMed 0.00002.
gnomAD v4.1: 8 of 1,612,848 alleles (0.0005%); highest among the groups gnomAD compares: Non-Finnish European, 0.00059%; no homozygotes.

Submission:

GeneDx
Classification: Likely benign. Last evaluated: 2019-08-01. Review status: criteria provided, single submitter. Criteria: GeneDx Variant Classification Process June 2021. Collection method: clinical testing. Allele origin: germline. Affected: yes.
Comment: Not observed in large population cohorts (Lek et al., 2016); Missense variant in a gene in which most reported pathogenic variants are truncating/loss-of-function; In silico analysis, which includes protein predictors and evolutionary conservation, supports that this variant does not alter protein structure/function; Has not been previously published as pathogenic or benign to our knowledge